The following is an entry in ClinVar:

ClinVar aggregate classification (germline): Uncertain significance (1 of 4 stars; one submission).

Conditions:
CEP290-related disorder. Also called: CEP290-related condition; CEP290-related disorders. Identifiers: MedGen CN239314.

gnomAD v4.1: 2 of 1,594,946 alleles (0.00013%); highest among the groups gnomAD compares: Non-Finnish European, 0.00017%; no homozygotes.

Submission:

PreventionGenetics, part of Exact Sciences
Classification: Uncertain significance for CEP290-related condition. Last evaluated: 2026-05-06. Review status: criteria provided, single submitter. Criteria: ACMG Guidelines, 2015. Collection method: clinical testing. Allele origin: germline.
Comment: The CEP290 c.2587-5T>G variant is predicted to interfere with splicing. This variant is predicted to alter splicing based on available splicing prediction programs (SpliceAI, Jaganathan et al. 2019. PubMed ID: 30661751). To our knowledge, this variant has not been reported in the literature or in a large population database (gnomAD), indicating this variant is rare. At this time, the clinical significance of this variant is uncertain due to the absence of conclusive functional and genetic evidence.

NM_025114.4(CEP290):c.2587-5T>G

Gene: CEP290 (centrosomal protein 290; minus strand). Cytogenetic location: 12q21.32.
Variant type: single nucleotide variant.
Coding change: c.2587-5T>G on transcript NM_025114.4 (MANE Select); 5 bases into the intron before coding-DNA position 2587, T replaced by G.
Molecular consequence: intron variant.
Genome position (GRCh38, 1-based): chr12:88,106,910, A>C on the plus strand (T>G on the coding strand, the complement: CEP290 is on the minus strand). VCF-style: chr12-88106910-A-C. GRCh37 (hg19) VCF-style: chr12-88500687-A-C.
Identifiers: ClinVar variation 4990576 (VCV004990576.1).